The following is an entry in ClinVar:

NM_014908.4(DOLK):c.96G>A (p.Leu32=)

Gene: DOLK (dolichol kinase; minus strand). Cytogenetic location: 9q34.11.
Variant type: single nucleotide variant.
Coding change: c.96G>A on transcript NM_014908.4 (MANE Select); coding-DNA position 96, G replaced by A.
Protein change: p.Leu32=; no amino-acid change (leucine 32 retained).
Molecular consequence: synonymous variant.
Genome position (GRCh38, 1-based): chr9:128,947,208, C>T on the plus strand (G>A on the coding strand, the complement: DOLK is on the minus strand). VCF-style: chr9-128947208-C-T. GRCh37 (hg19) VCF-style: chr9-131709487-C-T.
Identifiers: ClinVar variation 2022464 (VCV002022464.4), dbSNP rs2492005911, ClinGen allele CA467314121.

ClinVar aggregate classification (germline): Uncertain significance (1 of 4 stars; one submission).

Conditions:
DK1-congenital disorder of glycosylation. Also called: DK1-CDG; DOLK-congenital disorder of glycosylation; Carbohydrate deficient glycoprotein syndrome type 1m; CDG Im; DK1 DEFICIENCY; DOLICHOL KINASE DEFICIENCY. Identifiers: Orphanet 91131, MedGen C1835849, MONDO:0012556, OMIM 610768.

Submission:

Labcorp Genetics (formerly Invitae), Labcorp
Classification: Uncertain significance for DK1-congenital disorder of glycosylation. Last evaluated: 2022-08-07. Review status: criteria provided, single submitter. Criteria: Invitae Variant Classification Sherloc (09022015). Collection method: clinical testing. Allele origin: germline.
Comment: This variant is not present in population databases (gnomAD no frequency). This sequence change affects codon 32 of the DOLK mRNA. It is a 'silent' change, meaning that it does not change the encoded amino acid sequence of the DOLK protein. This variant has not been reported in the literature in individuals affected with DOLK-related conditions. In summary, the available evidence is currently insufficient to determine the role of this variant in disease. Therefore, it has been classified as a Variant of Uncertain Significance.